The following is an entry in ClinVar:

NM_001734.5(C1S):c.1678A>G (p.Met560Val)

Gene: C1S (complement C1s; plus strand). Cytogenetic location: 12p13.31.
Variant type: single nucleotide variant.
Coding change: c.1678A>G on transcript NM_001734.5 (MANE Select); coding-DNA position 1678, A replaced by G.
Protein change: p.Met560Val; replaces methionine 560 with valine.
Molecular consequence: missense variant.
Genome position (GRCh38, 1-based): chr12:7,070,262, A>G. VCF-style: chr12-7070262-A-G. GRCh37 (hg19) VCF-style: chr12-7177566-A-G.
Other names: c.1177A>G, p.Met393Val (NM_001346850.2); c.1678A>G, p.Met560Val (NM_201442.4); short protein forms M393V, M560V.
Identifiers: ClinVar variation 2777949 (VCV002777949.3), dbSNP rs1231794213, ClinGen allele CA383706036.

ClinVar aggregate classification (germline): Uncertain significance (1 of 4 stars; one submission).

Allele frequency attached by ClinVar (database versions not stated): gnomAD exomes below 0.00001; TOPMed 0.00001.

Submission:

Labcorp Genetics (formerly Invitae), Labcorp
Classification: Uncertain significance. Last evaluated: 2023-12-03. Review status: criteria provided, single submitter. Criteria: Invitae Variant Classification Sherloc (09022015). Collection method: clinical testing. Allele origin: germline.
Comment: This sequence change replaces methionine, which is neutral and non-polar, with valine, which is neutral and non-polar, at codon 560 of the C1S protein (p.Met560Val). This variant is present in population databases (no rsID available, gnomAD 0.005%). This variant has not been reported in the literature in individuals affected with C1S-related conditions. Advanced modeling of protein sequence and biophysical properties (such as structural, functional, and spatial information, amino acid conservation, physicochemical variation, residue mobility, and thermodynamic stability) performed at Invitae indicates that this missense variant is not expected to disrupt C1S protein function with a negative predictive value of 80%. In summary, the available evidence is currently insufficient to determine the role of this variant in disease. Therefore, it has been classified as a Variant of Uncertain Significance.